The following is an entry in ClinVar:

NM_014140.4(SMARCAL1):c.2662_2664del (p.Lys888del)

Gene: SMARCAL1 (SNF2 related chromatin remodeling annealing helicase 1; plus strand). Cytogenetic location: 2q35.
Variant type: Deletion.
Coding change: c.2662_2664del on transcript NM_014140.4 (MANE Select); coding-DNA positions 2662 to 2664, 3 bases deleted (AAG; older notation c.2662_2664delAAG).
Protein change: p.Lys888del; deletes lysine 888.
Molecular consequence: inframe deletion.
Genome position (GRCh38, 1-based): chr2:216,482,774-216,482,776, AAG deleted; deleting any 3 consecutive bases within chr2:216,482,772-216,482,776 gives the same sequence; the c. name uses the placement nearest the transcript's 3' end. VCF-style (leftmost placement, unchanged base first): chr2-216482771-CAGA-C. GRCh37 (hg19) VCF-style: chr2-217347494-CAGA-C.
Other names: c.2662_2664del, p.Lys888del (NM_001127207.2); short protein forms K888del.
Identifiers: ClinVar variation 1513538 (VCV001513538.9), dbSNP rs1460396872, ClinGen allele CA539838528.

ClinVar aggregate classification (germline): Uncertain significance. Review status: criteria provided, multiple submitters, no conflicts (2 of 4 stars). 2 submissions from 2 submitters: Uncertain significance (2). Last evaluated 2023-11-27.

Conditions:
Schimke immuno-osseous dysplasia (SIOD). Also called: Schimke Immunoosseous Dysplasia. Identifiers: Orphanet 1830, MedGen C0877024, MONDO:0009458, OMIM 242900.

Submissions (2):

Labcorp Genetics (formerly Invitae), Labcorp
Classification: Uncertain significance for Schimke immuno-osseous dysplasia. Last evaluated: 2023-11-27. Review status: criteria provided, single submitter. Criteria: Invitae Variant Classification Sherloc (09022015). Collection method: clinical testing. Allele origin: germline.
Comment: This variant, c.2662_2664del, results in the deletion of 1 amino acid(s) of the SMARCAL1 protein (p.Lys888del), but otherwise preserves the integrity of the reading frame. This variant is present in population databases (no rsID available, gnomAD 0.0009%). This variant has not been reported in the literature in individuals affected with SMARCAL1-related conditions. ClinVar contains an entry for this variant (Variation ID: 1513538). Experimental studies and prediction algorithms are not available or were not evaluated, and the functional significance of this variant is currently unknown. In summary, the available evidence is currently insufficient to determine the role of this variant in disease. Therefore, it has been classified as a Variant of Uncertain Significance.

Fulgent Genetics
Classification: Uncertain significance for Schimke immuno-osseous dysplasia. Last evaluated: 2022-04-14. Review status: criteria provided, single submitter. Criteria: ACMG Guidelines, 2015. Collection method: clinical testing. Allele origin: unknown.